The following is an entry in ClinVar:

ClinVar aggregate classification (germline): Conflicting classifications of pathogenicity. Review status: criteria provided, conflicting classifications (1 of 4 stars). 14 submissions from 13 submitters: Uncertain significance (2); Benign (9); Likely benign (3). Last evaluated 2026-09-01.

Conditions:
Cardiomyopathy (CMYO). Also called: Cardiomyopathies. Identifiers: Orphanet 167848, MedGen C0878544, MONDO:0004994, HP:0001638. Inheritance: Various modes of inheritance.
Catecholaminergic polymorphic ventricular tachycardia 1. Also called: RYR2-Related Catecholaminergic Polymorphic Ventricular Tachycardia; VENTRICULAR TACHYCARDIA, STRESS-INDUCED POLYMORPHIC 1; VENTRICULAR TACHYCARDIA, CATECHOLAMINERGIC POLYMORPHIC, 1, WITH OR WITHOUT ATRIAL DYSFUNCTION AND/OR DILATED CARDIOMYOPATHY. Identifiers: Orphanet 3286, MedGen C1631597, MONDO:0011484, OMIM 604772.
Arrhythmogenic right ventricular dysplasia 2. Identifiers: MedGen C1832931.
Catecholaminergic polymorphic ventricular tachycardia (CVPT). Also called: Catecholamine-induced polymorphic ventricular tachycardia. Identifiers: Orphanet 3286, MedGen C5574922, MONDO:0017990.

Allele frequency attached by ClinVar (database versions not stated): gnomAD 0.00125 and 0.00132; ESP Exome Variant Server 0.00193; TOPMed 0.00141; 1000 Genomes Project 0.00160; gnomAD exomes 0.00029 and 0.00050; ExAC 0.00054; 1000 Genomes Project 30x 0.00125.
gnomAD v4.1: 639 of 1,611,298 alleles (0.04%); highest among the groups gnomAD compares: African/African-American, 0.43%; 4 homozygotes.

Submissions (14):

CeGaT Center for Human Genetics Tuebingen
Classification: Likely benign. Last evaluated: 2026-09-01. Review status: criteria provided, single submitter. Criteria: CeGaT Center For Human Genetics Tuebingen Variant Classification Criteria Version 2. Collection method: clinical testing. Allele origin: germline. Affected: yes. Observed: 9 variant alleles.
Comment: RYR2: BP4, BP7, BS1

Labcorp Genetics (formerly Invitae), Labcorp
Classification: Benign for Catecholaminergic polymorphic ventricular tachycardia 1. Last evaluated: 2026-02-01. Review status: criteria provided, single submitter. Criteria: Invitae Variant Classification Sherloc (09022015). Collection method: clinical testing. Allele origin: germline.

Molecular Diagnostic Laboratory for Inherited Cardiovascular Disease, Montreal Heart Institute
Classification: Benign. Last evaluated: 2025-04-09. Review status: criteria provided, single submitter. Criteria: ACMG Guidelines, 2015. Collection method: clinical testing. Allele origin: germline. Affected: no.

Blueprint Genetics
Classification: Likely benign. Last evaluated: 2024-11-01. Review status: criteria provided, single submitter. Criteria: ACMG Guidelines, 2015. Collection method: clinical testing. Allele origin: germline.

ARUP Laboratories, Molecular Genetics and Genomics, ARUP Laboratories
Classification: Benign. Last evaluated: 2024-08-12. Review status: criteria provided, single submitter. Criteria: ARUP Molecular Germline Variant Investigation Process 2024. Collection method: clinical testing. Allele origin: germline.

All of Us Research Program, National Institutes of Health
Classification: Benign for Catecholaminergic polymorphic ventricular tachycardia. Last evaluated: 2024-02-05. Review status: criteria provided, single submitter. Criteria: ACMG Guidelines, 2015. Collection method: clinical testing. Allele origin: germline. Inheritance: Autosomal dominant inheritance. Observed: 104 variant alleles, 104 heterozygotes.
Comment: This study involves interpretation of variants in research participants for the purpose of population health screening. Participant phenotype was not available at the time of variant classification. Additional details can be found in publication PMID: 35346344, PMCID: PMC8962531

Mayo Clinic Laboratories, Mayo Clinic
Classification: Benign. Last evaluated: 2020-12-15. Review status: criteria provided, single submitter. Criteria: ACMG Guidelines, 2015. Collection method: clinical testing. Allele origin: germline. Observed: 2 variant alleles.

Color Diagnostics, LLC DBA Color Health
Classification: Benign for Cardiomyopathy. Last evaluated: 2018-08-29. Review status: criteria provided, single submitter. Criteria: ACMG Guidelines, 2015. Collection method: clinical testing. Allele origin: germline.

Illumina Laboratory Services, Illumina
Classification: Benign for Catecholaminergic polymorphic ventricular tachycardia 1. Last evaluated: 2018-01-12. Review status: criteria provided, single submitter. Criteria: ICSL Variant Classification Criteria 13 December 2019. Collection method: clinical testing. Allele origin: germline.
Comment: This variant was observed in the ICSL laboratory as part of a predisposition screen in an ostensibly healthy population. It had not been previously curated by ICSL or reported in the Human Gene Mutation Database (HGMD: prior to June 1st, 2018), and was therefore a candidate for classification through an automated scoring system. Utilizing variant allele frequency, disease prevalence and penetrance estimates, and inheritance mode, an automated score was calculated to assess if this variant is too frequent to cause the disease. Based on the score and internal cut-off values, a variant classified as benign is not then subjected to further curation. The score for this variant resulted in a classification of benign for this disease.

Illumina Laboratory Services, Illumina
Classification: Uncertain significance for Catecholaminergic polymorphic ventricular tachycardia 1. Last evaluated: 2018-01-12. Review status: criteria provided, single submitter. Criteria: ICSL Variant Classification Criteria 13 December 2019. Collection method: clinical testing. Allele origin: germline.

CHEO Genetics Diagnostic Laboratory, Children's Hospital of Eastern Ontario
Classification: Likely benign for Cardiomyopathy. Last evaluated: 2016-01-28. Review status: criteria provided, single submitter. Criteria: ACMG Guidelines, 2015. Collection method: clinical testing. Allele origin: germline. Study: Canadian Open Genetics Repository.

Eurofins Ntd Llc (ga)
Classification: Uncertain significance. Last evaluated: 2015-06-11. Review status: criteria provided, single submitter. Criteria: EGL Classification Definitions 2015. Collection method: clinical testing. Allele origin: germline. Observed: 4 variant alleles, 4 heterozygotes.

GeneDx
Classification: Benign. Last evaluated: 2015-03-03. Review status: criteria provided, single submitter. Criteria: GeneDx Variant Classification Process June 2021. Collection method: clinical testing. Allele origin: germline. Affected: yes.

Laboratory for Molecular Medicine, Mass General Brigham Personalized Medicine
Classification: Benign. Last evaluated: 2012-04-04. Review status: criteria provided, single submitter. Criteria: LMM Criteria. Collection method: clinical testing. Allele origin: germline. Observed: 2 variant alleles.
Comment: Thr3547Thr in Exon 74 of RYR2: This variant is not expected to have clinical sig nificance because it does not alter an amino acid residue, is not located within the splice consensus sequence and has been identified in 0.4% (12/3044) of Afri can American chromosomes from a broad population by the NHLBI Exome Sequencing P roject (dbSNP rs144256966).

NM_001035.3(RYR2):c.10641G>A (p.Thr3547=)

Gene: RYR2 (ryanodine receptor 2; plus strand). Cytogenetic location: 1q43.
Variant type: single nucleotide variant.
Coding change: c.10641G>A on transcript NM_001035.3 (MANE Select); coding-DNA position 10641, G replaced by A.
Protein change: p.Thr3547=; no amino-acid change (threonine 3547 retained).
Molecular consequence: synonymous variant.
Genome position (GRCh38, 1-based): chr1:237,723,214, G>A. VCF-style: chr1-237723214-G-A. GRCh37 (hg19) VCF-style: chr1-237886514-G-A.
Other names: p.Thr3547=.
Identifiers: ClinVar variation 43701 (VCV000043701.59), dbSNP rs144256966, ClinGen allele CA006725.